The following is an entry in ClinVar:

NM_024996.7(GFM1):c.2070+11T>G

Gene: GFM1 (G elongation factor mitochondrial 1; plus strand). Cytogenetic location: 3q25.32.
Variant type: single nucleotide variant.
Coding change: c.2070+11T>G on transcript NM_024996.7 (MANE Select); 11 bases into the intron after coding-DNA position 2070, T replaced by G.
Molecular consequence: intron variant.
Genome position (GRCh38, 1-based): chr3:158,690,334, T>G. VCF-style: chr3-158690334-T-G. GRCh37 (hg19) VCF-style: chr3-158408123-T-G.
Other names: c.2127+11T>G (NM_001308164.2); c.1845+11T>G (NM_001374357.1); c.1989+11T>G (NM_001374355.1); c.1953+11T>G (NM_001374356.1); c.1503+11T>G (NM_001374359.1, NM_001374360.1); c.1386+11T>G (NM_001374361.1); c.1611+11T>G (NM_001374358.1).
Identifiers: ClinVar variation 901933 (VCV000901933.14), dbSNP rs150000838, ClinGen allele CA2683067.
Genomic context (GRCh38, chr3:158,690,334, plus strand): 5'-TAATCACTGGGCAAGATGGAGTTGAGGACTATTTTACACTGTATGCAGATGTAAGTAGTC[T>G]TGGTCATTGGCAGTCCTGCTTTTATTAACCATAGAAGGAAATCCAGGTTAGCTTTTGTTT-3'

ClinVar aggregate classification (germline): Benign/Likely benign. Review status: criteria provided, multiple submitters, no conflicts (2 of 4 stars). 4 submissions from 4 submitters: Benign (2); Likely benign (2). Last evaluated 2026-01-28.

Conditions:
Hepatoencephalopathy due to combined oxidative phosphorylation defect type 1. Also called: HEPATOENCEPHALOPATHY, EARLY FATAL PROGRESSIVE. Identifiers: Orphanet 137681, MedGen C1836797, MONDO:0012191, OMIM 609060.

Allele frequency attached by ClinVar (database versions not stated): gnomAD exomes 0.00100; ExAC 0.00124; TOPMed 0.00397; ESP Exome Variant Server 0.00400; 1000 Genomes Project 30x 0.00609; 1000 Genomes Project 0.00659.
gnomAD v4.1: 1,178 of 1,612,316 alleles (0.073%); highest among the groups gnomAD compares: African/African-American, 1.2%; 12 homozygotes.

Submissions (4):

Labcorp Genetics (formerly Invitae), Labcorp
Classification: Benign. Last evaluated: 2026-01-28. Review status: criteria provided, single submitter. Criteria: Invitae Variant Classification Sherloc (09022015). Collection method: clinical testing. Allele origin: germline.

Blueprint Genetics
Classification: Likely benign. Last evaluated: 2024-11-25. Review status: criteria provided, single submitter. Criteria: ACMG Guidelines, 2015. Collection method: clinical testing. Allele origin: germline.

Illumina Laboratory Services, Illumina
Classification: Likely benign for Hepatoencephalopathy due to combined oxidative phosphorylation defect type 1. Last evaluated: 2018-01-13. Review status: criteria provided, single submitter. Criteria: ICSL Variant Classification Criteria 13 December 2019. Collection method: clinical testing. Allele origin: germline.
Comment: This variant was observed in the ICSL laboratory as part of a predisposition screen in an ostensibly healthy population. It had not been previously curated by ICSL or reported in the Human Gene Mutation Database (HGMD: prior to June 1st, 2018), and was therefore a candidate for classification through an automated scoring system. Utilizing variant allele frequency, disease prevalence and penetrance estimates, and inheritance mode, an automated score was calculated to assess if this variant is too frequent to cause the disease. Based on the score and internal cut-off values, a variant classified as likely benign is not then subjected to further curation. The score for this variant resulted in a classification of likely benign for this disease.

GeneDx
Classification: Benign. Last evaluated: 2015-03-03. Review status: criteria provided, single submitter. Criteria: GeneDx Variant Classification Process June 2021. Collection method: clinical testing. Allele origin: germline. Affected: yes.